The following is an entry in ClinVar:

ClinVar aggregate classification (germline): Uncertain significance (1 of 4 stars; one submission).

Conditions:
Ataxia-telangiectasia syndrome (AT). Also called: Ataxia-telangiectasia, complementation group D; ATAXIA-TELANGIECTASIA, COMPLEMENTATION GROUP A; ATAXIA-TELANGIECTASIA, FRESNO VARIANT; Ataxia-telangiectasia; Ataxia-telangiectasia, complementation group E; LOUIS-BAR SYNDROME. Identifiers: Orphanet 100, MedGen C0004135, MONDO:0008840, OMIM 208900.

Submission:

Labcorp Genetics (formerly Invitae), Labcorp
Classification: Uncertain significance for Ataxia-telangiectasia syndrome. Last evaluated: 2020-02-27. Review status: criteria provided, single submitter. Criteria: Invitae Variant Classification Sherloc (09022015). Collection method: clinical testing. Allele origin: germline.
Comment: This variant is not present in population databases (ExAC no frequency). In summary, the available evidence is currently insufficient to determine the role of this variant in disease. Therefore, it has been classified as a Variant of Uncertain Significance. Algorithms developed to predict the effect of missense changes on protein structure and function are either unavailable or do not agree on the potential impact of this missense change (SIFT: "Deleterious"; PolyPhen-2: "Possibly Damaging"; Align-GVGD: "Class C0"). This variant has not been reported in the literature in individuals with ATM-related conditions. This sequence change replaces arginine with glycine at codon 1907 of the ATM protein (p.Arg1907Gly). The arginine residue is moderately conserved and there is a moderate physicochemical difference between arginine and glycine.

NM_000051.4(ATM):c.5719A>G (p.Arg1907Gly)

Gene: ATM (ATM serine/threonine kinase; plus strand). Cytogenetic location: 11q22.3.
Variant type: single nucleotide variant.
Coding change: c.5719A>G on transcript NM_000051.4 (MANE Select); coding-DNA position 5719, A replaced by G.
Protein change: p.Arg1907Gly; replaces arginine 1907 with glycine.
Molecular consequence: missense variant.
Genome position (GRCh38, 1-based): chr11:108,307,941, A>G. VCF-style: chr11-108307941-A-G. GRCh37 (hg19) VCF-style: chr11-108178668-A-G.
Other names: c.5719A>G, p.Arg1907Gly (NM_001351834.2); short protein forms R1907G.
Identifiers: ClinVar variation 1036842 (VCV001036842.8), dbSNP rs2083819737, ClinGen allele CA382547927.
Genomic context (GRCh38, chr11:108,307,941, plus strand): 5'-TATTTTTGTTTGTCAGAGTCAGAGCACTTTTTCCGATGCTGTTTGGATAAAAAATCACAA[A>G]GAACAATGCTTGCTGTTGTGGACTACATGAGAAGACAAAAGAGGTAATGTAATGAGTGTT-3'
Protein context (NP_000042.3, residues 1897-1917): FRCCLDKKSQ[Arg1907Gly]TMLAVVDYMR